The following is an entry in ClinVar:

NM_014319.5(LEMD3):c.1350A>G (p.Glu450=)

Gene: LEMD3 (LEM domain containing 3; plus strand). Cytogenetic location: 12q14.3.
Variant type: single nucleotide variant.
Coding change: c.1350A>G on transcript NM_014319.5 (MANE Select); coding-DNA position 1350, A replaced by G.
Protein change: p.Glu450=; no amino-acid change (glutamic acid 450 retained).
Molecular consequence: synonymous variant.
Genome position (GRCh38, 1-based): chr12:65,170,946, A>G. VCF-style: chr12-65170946-A-G. GRCh37 (hg19) VCF-style: chr12-65564726-A-G.
Other names: c.1350A>G, p.Glu450= (NM_001167614.2).
Identifiers: ClinVar variation 775098 (VCV000775098.15), dbSNP rs145116568, ClinGen allele CA6670892.
Genomic context (GRCh38, chr12:65,170,946, plus strand): 5'-GGGCTCCAATCATACCTACCTGAAAAACACATACAACAAACCGAAGCTTTCCGAACCCGA[A>G]GAGGAACTTCTCCAGCAATTTAAACGGGAGGAGGTGTCCCCAACAGGGAGTTTCAGTGCC-3'
Protein context (NP_055134.2, residues 440-460): TYNKPKLSEP[Glu450=]EELLQQFKRE

ClinVar aggregate classification (germline): Benign/Likely benign. Review status: criteria provided, multiple submitters, no conflicts (2 of 4 stars). 4 submissions from 4 submitters: Benign (1); Likely benign (3). Last evaluated 2025-12-15.

Conditions:
Dermatofibrosis lenticularis disseminata (BOS). Also called: DERMATOFIBROSIS LENTICULARIS DISSEMINATA WITH OSTEOPOIKILOSIS; DERMATOOSTEOPOIKILOSIS; OSTEOPATHIA CONDENSANS DISSEMINATA. Identifiers: Orphanet 1306, MedGen C0265514, MONDO:0008157, OMIM 166700.

Allele frequency attached by ClinVar (database versions not stated): 1000 Genomes Project 30x 0.00016; 1000 Genomes Project 0.00020; TOPMed 0.00045; gnomAD exomes 0.00056 and 0.00067; ExAC 0.00057; gnomAD 0.00064 and 0.00069; ESP Exome Variant Server 0.00085.
gnomAD v4.1: 1,085 of 1,614,218 alleles (0.067%); highest among the groups gnomAD compares: Middle Eastern, 0.33%; no homozygotes.

Submissions (4):

Labcorp Genetics (formerly Invitae), Labcorp
Classification: Benign. Last evaluated: 2025-12-15. Review status: criteria provided, single submitter. Criteria: Invitae Variant Classification Sherloc (09022015). Collection method: clinical testing. Allele origin: germline.

Blueprint Genetics
Classification: Likely benign. Last evaluated: 2024-11-13. Review status: criteria provided, single submitter. Criteria: ACMG Guidelines, 2015. Collection method: clinical testing. Allele origin: germline.

Illumina Laboratory Services, Illumina
Classification: Likely benign for Dermatofibrosis lenticularis disseminata. Last evaluated: 2018-01-12. Review status: criteria provided, single submitter. Criteria: ICSL Variant Classification Criteria 13 December 2019. Collection method: clinical testing. Allele origin: germline.
Comment: This variant was observed in the ICSL laboratory as part of a predisposition screen in an ostensibly healthy population. It had not been previously curated by ICSL or reported in the Human Gene Mutation Database (HGMD: prior to June 1st, 2018), and was therefore a candidate for classification through an automated scoring system. Utilizing variant allele frequency, disease prevalence and penetrance estimates, and inheritance mode, an automated score was calculated to assess if this variant is too frequent to cause the disease. Based on the score and internal cut-off values, a variant classified as likely benign is not then subjected to further curation. The score for this variant resulted in a classification of likely benign for this disease.

Breakthrough Genomics
Classification: Likely benign. Review status: criteria provided, single submitter. Criteria: ACMG Guidelines, 2015. Collection method: not provided. Allele origin: germline. Inheritance: Autosomal dominant inheritance. Affected: yes.